The following is an entry in ClinVar:

ClinVar aggregate classification (germline): Likely benign. Review status: criteria provided, multiple submitters, no conflicts (2 of 4 stars). 2 submissions from 2 submitters: Likely benign (2). Last evaluated 2026-05-01.

Conditions:
Leukodystrophy, hypomyelinating, 6. Also called: LEUKODYSTROPHY, HYPOMYELINATING, WITH ATROPHY OF THE BASAL GANGLIA AND CEREBELLUM; TUBB4A-Associated Leukodystrophy; Hypomyelination with Atrophy of Basal Ganglia and Cerebellum (H-ABC). Identifiers: Orphanet 139441, MedGen C2676244, MONDO:0012905, OMIM 612438.

Allele frequency attached by ClinVar (database versions not stated): gnomAD 0.00001; gnomAD exomes 0.00001; ExAC 0.00002; TOPMed 0.00002; 1000 Genomes Project 0.00020; 1000 Genomes Project 30x 0.00031.

Submissions (2):

CeGaT Center for Human Genetics Tuebingen
Classification: Likely benign. Last evaluated: 2026-05-01. Review status: criteria provided, single submitter. Criteria: CeGaT Center For Human Genetics Tuebingen Variant Classification Criteria Version 2. Collection method: clinical testing. Allele origin: germline. Affected: yes. Observed: 1 variant allele.
Comment: TUBB4A: BP4, BP7

Labcorp Genetics (formerly Invitae), Labcorp
Classification: Likely benign for Leukodystrophy, hypomyelinating, 6. Last evaluated: 2025-07-29. Review status: criteria provided, single submitter. Criteria: Invitae Variant Classification Sherloc (09022015). Collection method: clinical testing. Allele origin: germline.

NM_006087.4(TUBB4A):c.996C>T (p.Ser332=)

Gene: TUBB4A (tubulin beta 4A class IVa; minus strand). Cytogenetic location: 19p13.3.
Variant type: single nucleotide variant.
Coding change: c.996C>T on transcript NM_006087.4 (MANE Select); coding-DNA position 996, C replaced by T.
Protein change: p.Ser332=; no amino-acid change (serine 332 retained).
Molecular consequence: synonymous variant.
Genome position (GRCh38, 1-based): chr19:6,495,503, G>A on the plus strand (C>T on the coding strand, the complement: TUBB4A is on the minus strand). VCF-style: chr19-6495503-G-A. GRCh37 (hg19) VCF-style: chr19-6495514-G-A.
Other names: c.1149C>T, p.Ser383= (NM_001289123.2); c.1131C>T, p.Ser377= (NM_001289127.2); c.996C>T, p.Ser332= (NM_001289129.2); c.780C>T, p.Ser260= (NM_001289130.2, NM_001289131.2).
Identifiers: ClinVar variation 2721401 (VCV002721401.5), dbSNP rs191830566, ClinGen allele CA9127292.